The following is an entry in ClinVar:

Single allele

Gene: LINC01216 (long intergenic non-protein coding RNA 1216; minus strand). Cytogenetic location: 4q24.
Variant type: Deletion.
Identifiers: ClinVar variation 156927 (VCV000156927.2).

ClinVar aggregate classification (germline): not provided (0 of 4 stars; one submission).

Conditions:
Large for gestational age. Identifiers: MedGen C1848395, HP:0001520.

Submission:

Institute of Molecular and Cell Biology, University of Tartu
No classification provided. Condition: Large for gestational age. Review status: no classification provided. Collection method: case-control. Allele origin: unknown. Affected: yes. Study: Kasak2014.
Comment: The study aimed to determine the contribution of copy number variants in the genetic etiology of normal and complicated pregnancies. The samples represented (i) maternal blood DNA drawn from healthy pregnant women during 1st or 2nd trimester and (ii) maternal and paternal blood DNA drawn at term pregnancy cases representing normal and complicated gestations (severe preeclampsia, PE; gestational diabetes, GD; small-for-gestational age newborn, SGA; large-for-gestational age newborn, LGA). We performed CNV calling based on genome-wide genotyping dataset (Illumina HumanOmniExpress-24-v1 BeadChip) by applying three algorithms, QuantiSNP, GADA (Genome Alteration Detection Algorithm) and CNstream in parallel. The acquired CNV calls were merged with HD-CNV (Hotspot Detector for Copy Number Variants) program and only the CNVs predicted by at least two programs, were considered in subsequent analysis.

Literature cited by the submitters: PubMed 25666259.